The following is an entry in ClinVar:

NM_001244008.2(KIF1A):c.4804A>G (p.Thr1602Ala)

Gene: KIF1A (kinesin family member 1A; minus strand). Cytogenetic location: 2q37.3.
Variant type: single nucleotide variant.
Coding change: c.4804A>G on transcript NM_001244008.2 (MANE Select); coding-DNA position 4804, A replaced by G.
Protein change: p.Thr1602Ala; replaces threonine 1602 with alanine.
Molecular consequence: missense variant.
Genome position (GRCh38, 1-based): chr2:240,720,978, T>C on the plus strand (A>G on the coding strand, the complement: KIF1A is on the minus strand). VCF-style: chr2-240720978-T-C. GRCh37 (hg19) VCF-style: chr2-241660395-T-C.
Other names: c.4528A>G, p.Thr1510Ala (NM_001320705.2, NM_001379649.1); c.4555A>G, p.Thr1519Ala (NM_001330289.2); c.4603A>G, p.Thr1535Ala (NM_001330290.2, NM_001379648.1); c.4879A>G, p.Thr1627Ala (NM_001379631.1); c.4780A>G, p.Thr1594Ala (NM_001379632.1); c.4777A>G, p.Thr1593Ala (NM_001379633.1, NM_001379645.1); c.4630A>G, p.Thr1544Ala (NM_001379634.1); c.4627A>G, p.Thr1543Ala (NM_001379635.1, NM_001379646.1); and 7 more; short protein forms T1500A, T1501A, T1509A, T1510A, T1518A, T1519A, T1526A, T1535A.
Identifiers: ClinVar variation 2430523 (VCV002430523.1), dbSNP rs2125585579, ClinGen allele CA351301794.
Genomic context (GRCh38, chr2:240,720,978, plus strand): 5'-GGTCAGTGGCACCGTACCGCCCTTCAACCAGAGAGGGGCAAGTGGAGGAGGGGGTGAGAG[T>C]GGCCACCCCTAGAGGGGACATCGACGGGTCCCGGAGCAGGGTGACAGACATCTCGGAGAG-3'
Protein context (NP_001230937.1, residues 1592-1612): DPSMSPLGVA[Thr1602Ala]LTPSSTCPSL

ClinVar aggregate classification (germline): Uncertain significance (1 of 4 stars; one submission).

Allele frequency attached by ClinVar (database versions not stated): gnomAD exomes below 0.00001.
gnomAD v4.1: 1 of 1,606,972 alleles (0.000062%); highest among the groups gnomAD compares: Non-Finnish European, 0.000085%; no homozygotes.

Submission:

GeneDx
Classification: Uncertain significance. Last evaluated: 2022-08-18. Review status: criteria provided, single submitter. Criteria: GeneDx Variant Classification Process June 2021. Collection method: clinical testing. Allele origin: germline. Affected: yes.
Comment: Not observed at significant frequency in large population cohorts (gnomAD); In silico analysis supports that this missense variant has a deleterious effect on protein structure/function; Has not been previously published as pathogenic or benign to our knowledge